The following is an entry in ClinVar:

NM_001408.3(CELSR2):c.4501A>G (p.Asn1501Asp)

Gene: CELSR2 (cadherin EGF LAG seven-pass G-type receptor 2; plus strand). Cytogenetic location: 1p13.3.
Variant type: single nucleotide variant.
Coding change: c.4501A>G on transcript NM_001408.3 (MANE Select); coding-DNA position 4501, A replaced by G.
Protein change: p.Asn1501Asp; replaces asparagine 1501 with aspartic acid.
Molecular consequence: missense variant.
Genome position (GRCh38, 1-based): chr1:109,262,401, A>G. VCF-style: chr1-109262401-A-G. GRCh37 (hg19) VCF-style: chr1-109805023-A-G.
Other names: short protein forms N1501D.
Identifiers: ClinVar variation 4000206 (VCV004000206.2).
Genomic context (GRCh38, chr1:109,262,401, plus strand): 5'-GTGGTGACCGTGGATGGCTGTGACACAGGAGTGGCCTTGCGCTTCGGATCTGTCCTGGGC[A>G]ACTACTCCTGTGCTGCCCAGGGCACCCAGGGTGGCAGCAAGAAGTGAGCAGGGGAAAGGG-3'
Protein context (NP_001399.1, residues 1491-1511): VALRFGSVLG[Asn1501Asp]YSCAAQGTQG

ClinVar aggregate classification (germline): Uncertain significance. Review status: criteria provided, multiple submitters, no conflicts (2 of 4 stars). 2 submissions from 2 submitters: Uncertain significance (2). Last evaluated 2025-03-21.

gnomAD v4.1: 2 of 1,614,122 alleles (0.00012%); highest among the groups gnomAD compares: African/African-American, 0.0027%; no homozygotes.

Submissions (2):

Ambry Genetics
Classification: Uncertain significance. Last evaluated: 2025-03-21. Review status: criteria provided, single submitter. Criteria: Ambry Variant Classification Scheme 2023. Collection method: clinical testing. Allele origin: germline.

Labcorp Genetics (formerly Invitae), Labcorp
Classification: Uncertain significance. Last evaluated: 2025-02-16. Review status: criteria provided, single submitter. Criteria: Invitae Variant Classification Sherloc (09022015). Collection method: clinical testing. Allele origin: germline.
Comment: This sequence change replaces asparagine, which is neutral and polar, with aspartic acid, which is acidic and polar, at codon 1501 of the CELSR2 protein (p.Asn1501Asp). This variant is not present in population databases (gnomAD no frequency). This variant has not been reported in the literature in individuals affected with CELSR2-related conditions. Invitae Evidence Modeling of protein sequence and biophysical properties (such as structural, functional, and spatial information, amino acid conservation, physicochemical variation, residue mobility, and thermodynamic stability) indicates that this missense variant is expected to disrupt CELSR2 protein function with a positive predictive value of 80%. In summary, the available evidence is currently insufficient to determine the role of this variant in disease. Therefore, it has been classified as a Variant of Uncertain Significance.